The following is an entry in ClinVar:

NM_002528.7(NTHL1):c.-6T>G

Gene: NTHL1 (nth like DNA glycosylase 1; minus strand). Cytogenetic location: 16p13.3.
Variant type: single nucleotide variant.
Coding change: c.-6T>G on transcript NM_002528.7 (MANE Select); 6 bases upstream of the start codon, T replaced by G.
Molecular consequence: 5 prime UTR variant.
Genome position (GRCh38, 1-based): chr16:2,047,829, A>C on the plus strand (T>G on the coding strand, the complement: NTHL1 is on the minus strand). VCF-style: chr16-2047829-A-C. GRCh37 (hg19) VCF-style: chr16-2097830-A-C.
Other names: c.-6T>G (NM_001318193.2); c.-184T>G (NM_001318194.2).
Identifiers: ClinVar variation 2451105 (VCV002451105.2), dbSNP rs1489806329, ClinGen allele CA394298793.

ClinVar aggregate classification (germline): Uncertain significance (1 of 4 stars; one submission).

Conditions:
Hereditary cancer-predisposing syndrome. Also called: Neoplastic Syndromes, Hereditary; Tumor predisposition; Hereditary neoplastic syndrome; Hereditary Cancer Syndrome. Identifiers: Orphanet 140162, MedGen C0027672, MeSH D009386, MONDO:0015356.

Allele frequency attached by ClinVar (database versions not stated): gnomAD exomes below 0.00001.
gnomAD v4.1: 3 of 1,593,872 alleles (0.00019%); no homozygotes.

Submission:

Ambry Genetics
Classification: Uncertain significance for Hereditary cancer-predisposing syndrome. Last evaluated: 2023-01-20. Review status: criteria provided, single submitter. Criteria: Ambry Variant Classification Scheme 2023. Collection method: clinical testing. Allele origin: germline.
Comment: The p.S7A variant (also known as c.19T>G), located in coding exon 1 of the NTHL1 gene, results from a T to G substitution at nucleotide position 19. The serine at codon 7 is replaced by alanine, an amino acid with similar properties. This amino acid position is not well conserved in available vertebrate species. In addition, this alteration is predicted to be tolerated by in silico analysis. Since supporting evidence is limited at this time, the clinical significance of this alteration remains unclear.